The following is an entry in ClinVar:

NC_000009.11:g.(?_134389752)_(134390863_?)del

Gene: POMT1 (protein O-mannosyltransferase 1; plus strand). Cytogenetic location: 9q34.13.
Variant type: Deletion.
Identifiers: ClinVar variation 1516923 (VCV001516923.7).

ClinVar aggregate classification (germline): Pathogenic (1 of 4 stars; one submission).

Conditions:
Walker-Warburg congenital muscular dystrophy. Also called: Muscular dystrophy-dystroglycanopathy, type A; Walker-Warburg syndrome. Identifiers: Orphanet 899, MedGen C0265221, MONDO:0000171.
Autosomal recessive limb-girdle muscular dystrophy type 2K. Also called: MUSCULAR DYSTROPHY-DYSTROGLYCANOPATHY (LIMB-GIRDLE), TYPE C, 1; MUSCULAR DYSTROPHY, LIMB-GIRDLE, TYPE 2K. Identifiers: Orphanet 86812, MedGen C1836373, MONDO:0012248, OMIM 609308.
Muscular dystrophy-dystroglycanopathy (congenital with impaired intellectual development), type B, 1. Also called: Muscular dystrophy-dystroglycanopathy (congenital with intellectual disability), type B1; MUSCULAR DYSTROPHY, CONGENITAL, POMT1-RELATED. Identifiers: MedGen C5436962, MONDO:0013159, OMIM 613155.

Submission:

Labcorp Genetics (formerly Invitae), Labcorp
Classification: Pathogenic for Muscular dystrophy-dystroglycanopathy (congenital with impaired intellectual development), type B, 1; Walker-Warburg congenital muscular dystrophy; Autosomal recessive limb-girdle muscular dystrophy type 2K. Last evaluated: 2023-08-25. Review status: criteria provided, single submitter. Criteria: Invitae Variant Classification Sherloc (09022015). Collection method: clinical testing. Allele origin: germline.
Comment: For these reasons, this variant has been classified as Pathogenic. This variant disrupts a region of the POMT1 protein in which other variant(s) (p.Tyr431Cys) have been determined to be pathogenic (Invitae). This suggests that this is a clinically significant region of the protein, and that variants that disrupt it are likely to be disease-causing. This variant has not been reported in the literature in individuals affected with POMT1-related conditions. This variant results in the deletion of part of exon 13 (c.1241+1034_1292del) of the POMT1 gene. It is expected to disrupt RNA splicing. Variants that disrupt the donor or acceptor splice site typically lead to a loss of protein function (PMID: 16199547), and loss-of-function variants in POMT1 are known to be pathogenic (PMID: 12369018, 15637732, 16575835).

Literature cited by the submitters: PubMed 16199547; PubMed 12369018; PubMed 15637732; PubMed 16575835.